The following is an entry in ClinVar:

ClinVar aggregate classification (germline): Uncertain significance (1 of 4 stars; one submission).

Submission:

Women's Health and Genetics/Laboratory Corporation of America, LabCorp
Classification: Uncertain significance. Last evaluated: 2025-10-03. Review status: criteria provided, single submitter. Criteria: LabCorp Variant Classification Summary - May 2015. Collection method: clinical testing. Allele origin: germline.
Comment: Variant summary: CIC c.4651C>G (p.Pro1551Ala) results in a non-conservative amino acid change in the encoded protein sequence. Algorithms developed to predict the effect of missense changes on protein structure and function are either unavailable or do not agree on the potential impact of this missense change. The variant was absent in 202430 control chromosomes. The available data on variant occurrences in the general population are insufficient to allow any conclusion about variant significance. To our knowledge, no occurrence of c.4651C>G in individuals affected with CIC-related conditions and no experimental evidence demonstrating its impact on protein function have been reported. No submitters have cited clinical-significance assessments for this variant to ClinVar. Based on the evidence outlined above, the variant was classified as uncertain significance.

NM_001386298.1(CIC):c.7378C>G (p.Pro2460Ala)

Gene: CIC (capicua transcriptional repressor; plus strand). Cytogenetic location: 19q13.2.
Variant type: single nucleotide variant.
Coding change: c.7378C>G on transcript NM_001386298.1 (MANE Select); coding-DNA position 7378, C replaced by G.
Protein change: p.Pro2460Ala; replaces proline 2460 with alanine.
Molecular consequence: missense variant.
Genome position (GRCh38, 1-based): chr19:42,295,015, C>G. VCF-style: chr19-42295015-C-G. GRCh37 (hg19) VCF-style: chr19-42799167-C-G.
Other names: c.7372C>G, p.Pro2458Ala (NM_001439185.1, NM_001439186.1, NM_001439184.1); c.7369C>G, p.Pro2457Ala (NM_001439187.1); c.7366C>G, p.Pro2456Ala (NM_001439188.1); c.4648C>G, p.Pro1550Ala (NM_001439189.1, NM_001439190.1); c.4645C>G, p.Pro1549Ala (NM_001439191.1, NM_001379484.1); c.4651C>G, p.Pro1551Ala (NM_015125.5); c.7378C>G, p.Pro2460Ala (NM_001304815.2); c.7375C>G, p.Pro2459Ala (NM_001379480.1, NM_001379482.1, NM_001439183.1); and 1 more; short protein forms P1548A, P1549A, P1550A, P1551A, P2456A, P2457A, P2458A, P2459A.
Identifiers: ClinVar variation 4687601 (VCV004687601.1).